The following is an entry in ClinVar:

NM_001378120.1(MBD5):c.2827C>A (p.Gln943Lys)

Gene: MBD5 (methyl-CpG binding domain protein 5; plus strand). Cytogenetic location: 2q23.1.
Variant type: single nucleotide variant.
Coding change: c.2827C>A on transcript NM_001378120.1 (MANE Select); coding-DNA position 2827, C replaced by A.
Protein change: p.Gln943Lys; replaces glutamine 943 with lysine.
Molecular consequence: missense variant.
Genome position (GRCh38, 1-based): chr2:148,483,418, C>A. VCF-style: chr2-148483418-C-A. GRCh37 (hg19) VCF-style: chr2-149240987-C-A.
Other names: c.2827C>A, p.Gln943Lys (NM_018328.5); short protein forms Q943K.
Identifiers: ClinVar variation 3372460 (VCV003372460.1).

ClinVar aggregate classification (germline): Uncertain significance (1 of 4 stars; one submission).

Submission:

GeneDx
Classification: Uncertain significance. Last evaluated: 2024-04-11. Review status: criteria provided, single submitter. Criteria: GeneDx Variant Classification Process June 2021. Collection method: clinical testing. Allele origin: germline. Affected: yes.
Comment: Not observed at significant frequency in large population cohorts (gnomAD); In silico analysis indicates that this missense variant does not alter protein structure/function; Has not been previously published as pathogenic or benign to our knowledge